The following is an entry in ClinVar:

NM_002047.4(GARS1):c.1996G>A (p.Val666Met)

Gene: GARS1 (glycyl-tRNA synthetase 1; plus strand). Cytogenetic location: 7p14.3.
Variant type: single nucleotide variant.
Coding change: c.1996G>A on transcript NM_002047.4 (MANE Select); coding-DNA position 1996, G replaced by A.
Protein change: p.Val666Met; replaces valine 666 with methionine.
Molecular consequence: missense variant.
Genome position (GRCh38, 1-based): chr7:30,632,339, G>A. VCF-style: chr7-30632339-G-A. GRCh37 (hg19) VCF-style: chr7-30671955-G-A.
Other names: c.1834G>A, p.Val612Met (NM_001316772.1); c.1996G>A (NM_002047.3); short protein forms V612M, V666M.
Identifiers: ClinVar variation 702275 (VCV000702275.12), dbSNP rs544634101, ClinGen allele CA4206134.

ClinVar aggregate classification (germline): Likely benign. Review status: criteria provided, multiple submitters, no conflicts (2 of 4 stars). 4 submissions from 4 submitters: Likely benign (4). Last evaluated 2025-12-15.

Conditions:
GARS1-related disorder. Also called: GARS1-related condition.
Charcot-Marie-Tooth disease type 2. Also called: Charcot-Marie-Tooth type 2. Identifiers: Orphanet 64746, MedGen C0270914, MONDO:0018993.

Allele frequency attached by ClinVar (database versions not stated): gnomAD 0.00001 and 0.00005; TOPMed 0.00002; ExAC 0.00013; 1000 Genomes Project 0.00020; 1000 Genomes Project 30x 0.00031.
gnomAD v4.1: 87 of 1,614,124 alleles (0.0054%); highest among the groups gnomAD compares: South Asian, 0.087%; 1 homozygote.

Submissions (4):

PreventionGenetics, part of Exact Sciences
Classification: Likely benign for GARS1-related condition. Last evaluated: 2025-12-15. Review status: criteria provided, single submitter. Criteria: ACMG Guidelines, 2015. Collection method: clinical testing. Allele origin: germline.
Comment: This variant is classified as likely benign based on ACMG/AMP sequence variant interpretation guidelines (Richards et al. 2015 PMID: 25741868, with internal and published modifications).

Labcorp Genetics (formerly Invitae), Labcorp
Classification: Likely benign for Charcot-Marie-Tooth disease type 2. Last evaluated: 2023-01-06. Review status: criteria provided, single submitter. Criteria: Invitae Variant Classification Sherloc (09022015). Collection method: clinical testing. Allele origin: germline.

Ambry Genetics
Classification: Likely benign. Last evaluated: 2020-06-30. Review status: criteria provided, single submitter. Criteria: Ambry Variant Classification Scheme 2023. Collection method: clinical testing. Allele origin: germline.

Blueprint Genetics
Classification: Likely benign. Last evaluated: 2019-12-16. Review status: criteria provided, single submitter. Criteria: ACMG Guidelines, 2015. Collection method: clinical testing. Allele origin: germline.